The following is an entry in ClinVar:

ClinVar aggregate classification (germline): Benign/Likely benign. Review status: criteria provided, multiple submitters, no conflicts (2 of 4 stars). 3 submissions from 3 submitters: Benign (1); Likely benign (2). Last evaluated 2018-11-10.

Conditions:
Parietal foramina 2 (PFM2). Identifiers: Orphanet 60015, MedGen C1865044, MONDO:0012309, OMIM 609597.

Allele frequency attached by ClinVar (database versions not stated): gnomAD 0.00609 and 0.00999; TOPMed 0.01076; gnomAD exomes 0.01867; 1000 Genomes Project 30x 0.04903; 1000 Genomes Project 0.05212.
gnomAD v4.1: 9,125 of 568,208 alleles (1.6%); highest among the groups gnomAD compares: East Asian, 19%; 703 homozygotes.

Submissions (3):

GeneDx
Classification: Likely benign. Last evaluated: 2018-11-10. Review status: criteria provided, single submitter. Criteria: GeneDx Variant Classification Process June 2021. Collection method: clinical testing. Allele origin: germline. Affected: yes.

Illumina Laboratory Services, Illumina
Classification: Benign for Parietal foramina 2. Last evaluated: 2018-01-12. Review status: criteria provided, single submitter. Criteria: ICSL Variant Classification Criteria 13 December 2019. Collection method: clinical testing. Allele origin: germline.
Comment: This variant was observed in the ICSL laboratory as part of a predisposition screen in an ostensibly healthy population. It had not been previously curated by ICSL or reported in the Human Gene Mutation Database (HGMD: prior to June 1st, 2018), and was therefore a candidate for classification through an automated scoring system. Utilizing variant allele frequency, disease prevalence and penetrance estimates, and inheritance mode, an automated score was calculated to assess if this variant is too frequent to cause the disease. Based on the score and internal cut-off values, a variant classified as benign is not then subjected to further curation. The score for this variant resulted in a classification of benign for this disease.

Breakthrough Genomics
Classification: Likely benign. Review status: criteria provided, single submitter. Criteria: ACMG Guidelines, 2015. Collection method: not provided. Allele origin: germline. Inheritance: Autosomal recessive inheritance. Affected: yes.

NM_021926.4(ALX4):c.*266T>G

Gene: ALX4 (ALX homeobox 4; minus strand). Cytogenetic location: 11p11.2.
Variant type: single nucleotide variant.
Coding change: c.*266T>G on transcript NM_021926.4 (MANE Select); 266 bases downstream of the stop codon, T replaced by G.
Molecular consequence: 3 prime UTR variant.
Genome position (GRCh38, 1-based): chr11:44,264,588, A>C on the plus strand (T>G on the coding strand, the complement: ALX4 is on the minus strand). VCF-style: chr11-44264588-A-C. GRCh37 (hg19) VCF-style: chr11-44286138-A-C.
Other names: c.*266T>G (LRG_1256t1).
Identifiers: ClinVar variation 304692 (VCV000304692.8), dbSNP rs60998360, ClinGen allele CA10634902.
Genomic context (GRCh38, chr11:44,264,588, plus strand): 5'-GAGCAGAGGAGTGGGCGGGAGCAAGAAAGCGCTTTCAGCTTATCATGGATGCGAAGCTGA[A>C]AAACGTGGCCACCTGGCTTTCTCCACTGCCTGTGGCCGGGAGCAGGGGTCAGGGCCTCAG-3'